The following is an entry in ClinVar:

ClinVar aggregate classification (germline): Uncertain significance. Review status: criteria provided, multiple submitters, no conflicts (2 of 4 stars). 2 submissions from 2 submitters: Uncertain significance (2). Last evaluated 2022-01-26.

Conditions:
Primary ciliary dyskinesia. Also called: Ciliary dyskinesia. Identifiers: Orphanet 244, MedGen C0008780, MONDO:0016575, HP:0012265.

Allele frequency attached by ClinVar (database versions not stated): gnomAD exomes 0.00001 and 0.00002; ExAC 0.00002.
gnomAD v4.1: 31 of 1,614,102 alleles (0.0019%); highest among the groups gnomAD compares: Middle Eastern, 0.4%; no homozygotes.

Submissions (2):

Ambry Genetics
Classification: Uncertain significance for Primary ciliary dyskinesia. Last evaluated: 2022-01-26. Review status: criteria provided, single submitter. Criteria: Ambry Variant Classification Scheme 2023. Collection method: clinical testing. Allele origin: germline.

Labcorp Genetics (formerly Invitae), Labcorp
Classification: Uncertain significance for Primary ciliary dyskinesia. Last evaluated: 2019-04-04. Review status: criteria provided, single submitter. Criteria: Invitae Variant Classification Sherloc (09022015). Collection method: clinical testing. Allele origin: germline.
Comment: This sequence change replaces valine with methionine at codon 599 of the CCDC114 protein (p.Val599Met). The valine residue is weakly conserved and there is a small physicochemical difference between valine and methionine. This variant is present in population databases (rs750861527, ExAC 0.01%). This variant has not been reported in the literature in individuals with CCDC114-related disease. ClinVar contains an entry for this variant (Variation ID: 525370). Algorithms developed to predict the effect of missense changes on protein structure and function output the following: SIFT: "Tolerated"; PolyPhen-2: "Benign"; Align-GVGD: "Class C0". The methionine amino acid residue is found in multiple mammalian species, suggesting that this missense change does not adversely affect protein function. These predictions have not been confirmed by published functional studies and their clinical significance is uncertain. In summary, the available evidence is currently insufficient to determine the role of this variant in disease. Therefore, it has been classified as a Variant of Uncertain Significance.

NM_001364171.2(ODAD1):c.1906G>A (p.Val636Met)

Gene: ODAD1 (outer dynein arm docking complex subunit 1; minus strand). Cytogenetic location: 19q13.33.
Variant type: single nucleotide variant.
Coding change: c.1906G>A on transcript NM_001364171.2 (MANE Select); coding-DNA position 1906, G replaced by A.
Protein change: p.Val636Met; replaces valine 636 with methionine.
Molecular consequence: missense variant.
Genome position (GRCh38, 1-based): chr19:48,297,194, C>T on the plus strand (G>A on the coding strand, the complement: ODAD1 is on the minus strand). VCF-style: chr19-48297194-C-T. GRCh37 (hg19) VCF-style: chr19-48800451-C-T.
Other names: c.1795G>A, p.Val599Met (NM_144577.4); short protein forms V599M, V636M.
Identifiers: ClinVar variation 525370 (VCV000525370.6), dbSNP rs750861527, ClinGen allele CA9548533.